The following is an entry in ClinVar:

NM_018297.4(NGLY1):c.761G>T (p.Gly254Val)

Gene: NGLY1 (N-glycanase 1; minus strand). Cytogenetic location: 3p24.2.
Variant type: single nucleotide variant.
Coding change: c.761G>T on transcript NM_018297.4 (MANE Select); coding-DNA position 761, G replaced by T.
Protein change: p.Gly254Val; replaces glycine 254 with valine.
Molecular consequence: missense variant.
Genome position (GRCh38, 1-based): chr3:25,739,697, C>A on the plus strand (G>T on the coding strand, the complement: NGLY1 is on the minus strand). VCF-style: chr3-25739697-C-A. GRCh37 (hg19) VCF-style: chr3-25781188-C-A.
Other names: c.761G>T, p.Gly254Val (NM_001145293.2, NM_001145295.2); c.635G>T, p.Gly212Val (NM_001145294.2); short protein forms G254V, G212V.
Identifiers: ClinVar variation 852898 (VCV000852898.5), dbSNP rs748897361, ClinGen allele CA351903784.

ClinVar aggregate classification (germline): Uncertain significance. Review status: criteria provided, multiple submitters, no conflicts (2 of 4 stars). 2 submissions from 2 submitters: Uncertain significance (2). Last evaluated 2024-11-27.

Conditions:
Inborn genetic diseases. Identifiers: MedGen C0950123, MeSH D030342.
Congenital disorder of deglycosylation (CDDG). Identifiers: MedGen C3808991, MONDO:0031376.

Allele frequency attached by ClinVar (database versions not stated): TOPMed below 0.00001.

Submissions (2):

Ambry Genetics
Classification: Uncertain significance for Inborn genetic diseases. Last evaluated: 2024-11-27. Review status: criteria provided, single submitter. Criteria: Ambry Variant Classification Scheme 2023. Collection method: clinical testing. Allele origin: germline.

Labcorp Genetics (formerly Invitae), Labcorp
Classification: Uncertain significance for Congenital disorder of deglycosylation. Last evaluated: 2021-09-01. Review status: criteria provided, single submitter. Criteria: Invitae Variant Classification Sherloc (09022015). Collection method: clinical testing. Allele origin: germline.
Comment: This sequence change replaces glycine with valine at codon 254 of the NGLY1 protein (p.Gly254Val). The glycine residue is highly conserved and there is a moderate physicochemical difference between glycine and valine. This variant is not present in population databases (ExAC no frequency). This variant has not been reported in the literature in individuals affected with NGLY1-related conditions. Algorithms developed to predict the effect of missense changes on protein structure and function are either unavailable or do not agree on the potential impact of this missense change (SIFT: "Deleterious"; PolyPhen-2: "Probably Damaging"; Align-GVGD: "Class C15"). In summary, the available evidence is currently insufficient to determine the role of this variant in disease. Therefore, it has been classified as a Variant of Uncertain Significance.